The following is an entry in ClinVar:

NM_000553.6(WRN):c.3679A>G (p.Ser1227Gly)

Gene: WRN (WRN RecQ like helicase; plus strand). Cytogenetic location: 8p12.
Variant type: single nucleotide variant.
Coding change: c.3679A>G on transcript NM_000553.6 (MANE Select); coding-DNA position 3679, A replaced by G.
Protein change: p.Ser1227Gly; replaces serine 1227 with glycine.
Molecular consequence: missense variant.
Genome position (GRCh38, 1-based): chr8:31,150,447, A>G. VCF-style: chr8-31150447-A-G. GRCh37 (hg19) VCF-style: chr8-31007963-A-G.
Other names: short protein forms S1227G.
Identifiers: ClinVar variation 1467093 (VCV001467093.6), dbSNP rs1563382585, ClinGen allele CA370928188.
Genomic context (GRCh38, chr8:31,150,447, plus strand): 5'-GGCAAAGCTGCCATGTTGGCCCCTCTGTTGGAAGTCATCAAACATTTCTGCCAAACAAAT[A>G]GTGTTCAGGTAAAATACTGTGGTTTGCAGGAGCTCTTAGAGAATAAGCATTTTTTGTAAC-3'
Protein context (NP_000544.2, residues 1217-1237): EVIKHFCQTN[Ser1227Gly]VQTDLFSSTK

ClinVar aggregate classification (germline): Uncertain significance (1 of 4 stars; one submission).

Conditions:
Werner syndrome (WRN). Identifiers: Orphanet 902, MedGen C0043119, MONDO:0010196, OMIM 277700.

Submission:

Labcorp Genetics (formerly Invitae), Labcorp
Classification: Uncertain significance for Werner syndrome. Last evaluated: 2020-10-23. Review status: criteria provided, single submitter. Criteria: Invitae Variant Classification Sherloc (09022015). Collection method: clinical testing. Allele origin: germline.
Comment: In summary, the available evidence is currently insufficient to determine the role of this variant in disease. Therefore, it has been classified as a Variant of Uncertain Significance. Algorithms developed to predict the effect of missense changes on protein structure and function output the following: SIFT: "Not Available"; PolyPhen-2: "Benign"; Align-GVGD: "Not Available". The glycine amino acid residue is found in multiple mammalian species, suggesting that this missense change does not adversely affect protein function. These predictions have not been confirmed by published functional studies and their clinical significance is uncertain. This variant has not been reported in the literature in individuals with WRN-related conditions. This variant is not present in population databases (ExAC no frequency). This sequence change replaces serine with glycine at codon 1227 of the WRN protein (p.Ser1227Gly). The serine residue is moderately conserved and there is a small physicochemical difference between serine and glycine.